The following is an entry in ClinVar:

ClinVar aggregate classification (germline): Pathogenic (1 of 4 stars; one submission).

Conditions:
Hereditary cancer-predisposing syndrome. Also called: Neoplastic Syndromes, Hereditary; Tumor predisposition; Hereditary Cancer Syndrome; Hereditary neoplastic syndrome. Identifiers: Orphanet 140162, MedGen C0027672, MeSH D009386, MONDO:0015356.

Submission:

Ambry Genetics
Classification: Pathogenic for Hereditary cancer-predisposing syndrome. Last evaluated: 2025-05-12. Review status: criteria provided, single submitter. Criteria: Ambry Variant Classification Scheme 2023. Collection method: clinical testing. Allele origin: germline.
Comment: The EX9inv alteration results from the inversion of coding exon 9 in the APC gene. A similar, complex inversion has been detected in an individual with innumerable tubular adenomas and resulted in skipping of coding exon 9 (designated as exon 10 in the literature) (Ambry internal data; Shirts BH. Genet. Med. 2014 Oct;16(10):783-6). This alteration or a similar one has been observed multiple individuals who have a personal or family history that is consistent with APC-associated disease (Ambry internal data; Shirts BH. Genet. Med. 2014 Oct;16(10):783-6). In addition to the clinical data presented in the literature, this alteration is likely to result in loss of function by premature protein truncation or nonsense-mediated mRNA decay. Based on the supporting evidence, this alteration is interpreted as a disease-causing mutation.

Literature cited by the submitters: PubMed 24675673.

NM_000038.6(APC):c.934-303_1312+190inv

Gene: APC (APC regulator of Wnt signaling pathway; plus strand). Cytogenetic location: 5q22.2.
Variant type: Inversion.
Coding change: c.934-303_1312+190inv on transcript NM_000038.6 (MANE Select).
Molecular consequence: splice acceptor variant, splice donor variant.
Genome position: GRCh38: chr5:112,818,663-112,819,534. GRCh37 (hg19): chr5:112,154,360-112,155,231.
Other names: c.934-303_1312+190inv (NM_001354895.2, NM_001127510.3, NM_001354896.2); c.964-303_1342+190inv (NM_001354897.2); c.964-606_1039+190inv (NM_001354902.2); c.880-303_1258+190inv (NM_001127511.3); c.859-303_1237+190inv (NM_001354898.2); c.859-606_934+190inv (NM_001354904.2); c.85-303_463+190inv (NM_001354906.2); c.934-606_1009+190inv (NM_001354903.2); and 3 more.
Identifiers: ClinVar variation 1800339 (VCV001800339.4), ClinGen allele CA2580072438.